The following is an entry in ClinVar:

ClinVar aggregate classification (germline): Uncertain significance (1 of 4 stars; one submission).

Conditions:
Microphthalmia, isolated, with coloboma 6 (MCOPCB6). Also called: Microphthalmia with coloboma 6, digenic; Microphthalmia with coloboma 6; MICROPHTHALMIA/COLOBOMA 6. Identifiers: Orphanet 98938, MedGen C3150968, MONDO:0013376, OMIM 613703.
Leber congenital amaurosis 17 (LCA17). Identifiers: Orphanet 65, MedGen C3715164, MONDO:0014145, OMIM 615360.
Klippel-Feil syndrome 1, autosomal dominant (KFS1). Also called: CERVICAL VERTEBRAL FUSION, AUTOSOMAL DOMINANT. Identifiers: Orphanet 2345, MedGen C1861689, MONDO:0007306, OMIM 118100.
Isolated microphthalmia 4. Identifiers: Orphanet 2542, MedGen C2751307, MONDO:0013130, OMIM 613094.

Allele frequency attached by ClinVar (database versions not stated): gnomAD exomes below 0.00001.
gnomAD v4.1: 1 of 1,355,940 alleles (0.000074%); highest among the groups gnomAD compares: Non-Finnish European, 0.000094%; no homozygotes.

Submission:

Labcorp Genetics (formerly Invitae), Labcorp
Classification: Uncertain significance for Isolated microphthalmia 4; Leber congenital amaurosis 17; Klippel-Feil syndrome 1, autosomal dominant; Microphthalmia, isolated, with coloboma 6. Last evaluated: 2024-01-25. Review status: criteria provided, single submitter. Criteria: Invitae Variant Classification Sherloc (09022015). Collection method: clinical testing. Allele origin: germline.
Comment: This sequence change replaces serine, which is neutral and polar, with tryptophan, which is neutral and slightly polar, at codon 317 of the GDF6 protein (p.Ser317Trp). This variant is not present in population databases (gnomAD no frequency). This variant has not been reported in the literature in individuals affected with GDF6-related conditions. An algorithm developed to predict the effect of missense changes on protein structure and function (PolyPhen-2) suggests that this variant is likely to be tolerated. In summary, the available evidence is currently insufficient to determine the role of this variant in disease. Therefore, it has been classified as a Variant of Uncertain Significance.

NM_001001557.4(GDF6):c.950C>G (p.Ser317Trp)

Gene: GDF6 (growth differentiation factor 6; minus strand). Cytogenetic location: 8q22.1.
Variant type: single nucleotide variant.
Coding change: c.950C>G on transcript NM_001001557.4 (MANE Select); coding-DNA position 950, C replaced by G.
Protein change: p.Ser317Trp; replaces serine 317 with tryptophan.
Molecular consequence: missense variant.
Genome position (GRCh38, 1-based): chr8:96,144,981, G>C on the plus strand (C>G on the coding strand, the complement: GDF6 is on the minus strand). VCF-style: chr8-96144981-G-C. GRCh37 (hg19) VCF-style: chr8-97157209-G-C.
Other names: short protein forms S317W.
Identifiers: ClinVar variation 2922439 (VCV002922439.3), dbSNP rs2487829967, ClinGen allele CA371751459.